The following is an entry in ClinVar:

NM_177972.3(TUB):c.1188T>C (p.His396=)

Genes: RIC3 (RIC3 acetylcholine receptor chaperone; minus strand), TUB (TUB bipartite transcription factor; plus strand). Cytogenetic location: 11p15.4.
Variant type: single nucleotide variant.
Coding change: c.1188T>C on transcript NM_177972.3 (MANE Select); coding-DNA position 1188, T replaced by C.
Protein change: p.His396=; no amino-acid change (histidine 396 retained).
Molecular consequence: synonymous variant.
Genome position (GRCh38, 1-based): chr11:8,100,574, T>C. VCF-style: chr11-8100574-T-C. GRCh37 (hg19) VCF-style: chr11-8122121-T-C.
Other names: c.1353T>C (NM_003320.4); c.1353T>C, p.His451= (NM_003320.5).
Identifiers: ClinVar variation 1155133 (VCV001155133.11), dbSNP rs575184271, ClinGen allele CA5871389.

ClinVar aggregate classification (germline): Likely benign. Review status: criteria provided, single submitter (1 of 4 stars). 2 submissions from 2 submitters: Likely benign (1). 1 of the submissions does not count toward it. Last evaluated 2025-12-18.

Conditions:
TUB-related disorder. Also called: TUB-related condition.

Allele frequency attached by ClinVar (database versions not stated): gnomAD 0.00001; gnomAD exomes 0.00001 and 0.00002; ExAC 0.00002; 1000 Genomes Project 30x 0.00016; 1000 Genomes Project 0.00020.
gnomAD v4.1: 17 of 1,614,126 alleles (0.0011%); highest among the groups gnomAD compares: Admixed American, 0.01%; no homozygotes.

Submissions (2):

Labcorp Genetics (formerly Invitae), Labcorp
Classification: Likely benign. Last evaluated: 2025-12-18. Review status: criteria provided, single submitter. Criteria: Invitae Variant Classification Sherloc (09022015). Collection method: clinical testing. Allele origin: germline.

PreventionGenetics, part of Exact Sciences
Classification: Likely benign for TUB-related condition. Last evaluated: 2022-02-16. Review status: no assertion criteria provided. Collection method: clinical testing. Allele origin: germline. Not counted in ClinVar's aggregate classification.
Comment: This variant is classified as likely benign based on ACMG/AMP sequence variant interpretation guidelines (Richards et al. 2015 PMID: 25741868, with internal and published modifications).